The following is an entry in ClinVar:

NM_003482.4(KMT2D):c.3606C>T (p.Ser1202=)

Genes: KMT2D (lysine methyltransferase 2D; minus strand), LOC126861520 (CDK7 strongly-dependent group 2 enhancer GRCh37_chr12:49442744-49443943; plus strand). Cytogenetic location: 12q13.12.
Variant type: single nucleotide variant.
Coding change: c.3606C>T on transcript NM_003482.4 (MANE Select); coding-DNA position 3606, C replaced by T.
Protein change: p.Ser1202=; no amino-acid change (serine 1202 retained).
Molecular consequence: synonymous variant.
Genome position (GRCh38, 1-based): chr12:49,049,982, G>A on the plus strand (C>T on the coding strand, the complement: KMT2D is on the minus strand). VCF-style: chr12-49049982-G-A. GRCh37 (hg19) VCF-style: chr12-49443765-G-A.
Identifiers: ClinVar variation 727295 (VCV000727295.37), dbSNP rs369602516, ClinGen allele CA6548023.

ClinVar aggregate classification (germline): Benign/Likely benign. Review status: criteria provided, multiple submitters, no conflicts (2 of 4 stars). 4 submissions from 4 submitters: Benign (2); Likely benign (2). Last evaluated 2026-01-13.

Conditions:
Kabuki syndrome. Also called: NIIKAWA-KUROKI SYNDROME; Kabuki make-up syndrome. Identifiers: Orphanet 2322, MedGen C0796004, MONDO:0016512.

Allele frequency attached by ClinVar (database versions not stated): ESP Exome Variant Server 0.00008; gnomAD exomes 0.00008 and 0.00020; ExAC 0.00014; gnomAD 0.00016 and 0.00019; TOPMed 0.00020.
gnomAD v4.1: 145 of 1,613,942 alleles (0.009%); highest among the groups gnomAD compares: South Asian, 0.07%; 1 homozygote.

Submissions (4):

Labcorp Genetics (formerly Invitae), Labcorp
Classification: Benign for Kabuki syndrome. Last evaluated: 2026-01-13. Review status: criteria provided, single submitter. Criteria: Invitae Variant Classification Sherloc (09022015). Collection method: clinical testing. Allele origin: germline.

Blueprint Genetics
Classification: Likely benign. Last evaluated: 2024-08-29. Review status: criteria provided, single submitter. Criteria: ACMG Guidelines, 2015. Collection method: clinical testing. Allele origin: germline.

CeGaT Center for Human Genetics Tuebingen
Classification: Likely benign. Last evaluated: 2023-11-01. Review status: criteria provided, single submitter. Criteria: CeGaT Center For Human Genetics Tuebingen Variant Classification Criteria Version 2. Collection method: clinical testing. Allele origin: germline. Affected: yes. Observed: 1 variant allele.
Comment: KMT2D: BP4, BP7

GeneDx
Classification: Benign. Last evaluated: 2021-01-18. Review status: criteria provided, single submitter. Criteria: GeneDx Variant Classification Process June 2021. Collection method: clinical testing. Allele origin: germline. Affected: yes.